The following is an entry in ClinVar:

ClinVar aggregate classification (germline): Uncertain significance (1 of 4 stars; one submission).

Submission:

GeneDx
Classification: Uncertain significance. Last evaluated: 2022-04-29. Review status: criteria provided, single submitter. Criteria: GeneDx Variant Classification Process June 2021. Collection method: clinical testing. Allele origin: germline. Affected: yes.
Comment: Not observed at significant frequency in large population cohorts (gnomAD); In silico analysis supports that this missense variant has a deleterious effect on protein structure/function; Has not been previously published as pathogenic or benign to our knowledge; This variant is associated with the following publications: (PMID: 27535533)

NM_001376.5(DYNC1H1):c.6265G>A (p.Gly2089Ser)

Gene: DYNC1H1 (dynein cytoplasmic 1 heavy chain 1; plus strand). Cytogenetic location: 14q32.31.
Variant type: single nucleotide variant.
Coding change: c.6265G>A on transcript NM_001376.5 (MANE Select); coding-DNA position 6265, G replaced by A.
Protein change: p.Gly2089Ser; replaces glycine 2089 with serine.
Molecular consequence: missense variant.
Genome position (GRCh38, 1-based): chr14:102,010,319, G>A. VCF-style: chr14-102010319-G-A. GRCh37 (hg19) VCF-style: chr14-102476656-G-A.
Other names: short protein forms G2089S.
Identifiers: ClinVar variation 1683988 (VCV001683988.2), dbSNP rs2152577784, ClinGen allele CA391054190.